The following is an entry in ClinVar:

NM_001395413.1(POR):c.1585A>G (p.Ile529Val)

Gene: POR (cytochrome p450 oxidoreductase; plus strand). Cytogenetic location: 7q11.23.
Variant type: single nucleotide variant.
Coding change: c.1585A>G on transcript NM_001395413.1 (MANE Select); coding-DNA position 1585, A replaced by G.
Protein change: p.Ile529Val; replaces isoleucine 529 with valine.
Molecular consequence: missense variant.
Genome position (GRCh38, 1-based): chr7:75,985,774, A>G. VCF-style: chr7-75985774-A-G. GRCh37 (hg19) VCF-style: chr7-75615092-A-G.
Other names: c.1585A>G, p.Ile529Val (NM_001367562.3, NM_001382657.2, NM_001382658.3 and 1 more transcripts); c.1639A>G, p.Ile547Val (NM_001382655.3); c.1435A>G, p.Ile479Val (NM_001382662.3); short protein forms I479V, I529V, I547V.
Identifiers: ClinVar variation 360714 (VCV000360714.8), dbSNP rs886062442, ClinGen allele CA10629448.

ClinVar aggregate classification (germline): Uncertain significance. Review status: criteria provided, multiple submitters, no conflicts (2 of 4 stars). 3 submissions from 3 submitters: Uncertain significance (3). Last evaluated 2025-02-04.

Conditions:
Congenital adrenal hyperplasia due to cytochrome P450 oxidoreductase deficiency. Also called: DISORDERED STEROIDOGENESIS DUE TO POR DEFICIENCY. Identifiers: Orphanet 95699, MedGen C1860042, MONDO:0013310, OMIM 613571.
Inborn genetic diseases. Identifiers: MedGen C0950123, MeSH D030342.

Allele frequency attached by ClinVar (database versions not stated): gnomAD exomes below 0.00001 and 0.00001; gnomAD 0.00001; TOPMed 0.00004.
gnomAD v4.1: 6 of 1,577,622 alleles (0.00038%); highest among the groups gnomAD compares: Admixed American, 0.0073%; no homozygotes.

Submissions (3):

Ambry Genetics
Classification: Uncertain significance for Inborn genetic diseases. Last evaluated: 2025-02-04. Review status: criteria provided, single submitter. Criteria: Ambry Variant Classification Scheme 2023. Collection method: clinical testing. Allele origin: germline.

Labcorp Genetics (formerly Invitae), Labcorp
Classification: Uncertain significance for Congenital adrenal hyperplasia due to cytochrome P450 oxidoreductase deficiency. Last evaluated: 2022-09-28. Review status: criteria provided, single submitter. Criteria: Invitae Variant Classification Sherloc (09022015). Collection method: clinical testing. Allele origin: germline.
Comment: This sequence change replaces isoleucine, which is neutral and non-polar, with valine, which is neutral and non-polar, at codon 532 of the POR protein (p.Ile532Val). The frequency data for this variant in the population databases is considered unreliable, as metrics indicate poor data quality at this position in the gnomAD database. This variant has not been reported in the literature in individuals affected with POR-related conditions. ClinVar contains an entry for this variant (Variation ID: 360714). Advanced modeling of protein sequence and biophysical properties (such as structural, functional, and spatial information, amino acid conservation, physicochemical variation, residue mobility, and thermodynamic stability) performed at Invitae indicates that this missense variant is not expected to disrupt POR protein function. In summary, the available evidence is currently insufficient to determine the role of this variant in disease. Therefore, it has been classified as a Variant of Uncertain Significance.

Illumina Laboratory Services, Illumina
Classification: Uncertain significance for Congenital adrenal hyperplasia due to cytochrome P450 oxidoreductase deficiency. Last evaluated: 2018-01-13. Review status: criteria provided, single submitter. Criteria: ICSL Variant Classification Criteria 13 December 2019. Collection method: clinical testing. Allele origin: germline.